The following is an entry in ClinVar:

NM_000059.4(BRCA2):c.339A>T (p.Arg113Ser)

Gene: BRCA2 (BRCA2 DNA repair associated; plus strand). Cytogenetic location: 13q13.1.
Variant type: single nucleotide variant.
Coding change: c.339A>T on transcript NM_000059.4 (MANE Select); coding-DNA position 339, A replaced by T.
Protein change: p.Arg113Ser; replaces arginine 113 with serine.
Molecular consequence: missense variant. On other transcripts: 5 prime UTR variant (1), non-coding transcript variant (1).
Genome position (GRCh38, 1-based): chr13:32,325,098, A>T. VCF-style: chr13-32325098-A-T. GRCh37 (hg19) VCF-style: chr13-32899235-A-T.
Other names: c.339A>T, p.Arg113Ser (NM_001406719.1, NM_001406720.1, NM_001406721.1 and 1 more transcripts); c.-31A>T (NM_001406722.1); short protein forms R113S.
Identifiers: ClinVar variation 3572350 (VCV003572350.3).

ClinVar aggregate classification (germline): Uncertain significance. Review status: criteria provided, multiple submitters, no conflicts (2 of 4 stars). 2 submissions from 2 submitters: Uncertain significance (2). Last evaluated 2024-12-22.

Conditions:
Hereditary breast ovarian cancer syndrome. Also called: Hereditary breast and ovarian cancer syndrome; Breast and ovarian cancer; Hereditary breast and ovarian cancer; Hereditary breast and/or ovarian cancer syndrome; Hereditary breast and ovarian cancer syndrome (HBOC); BRCA1- and BRCA2-Associated Hereditary Breast and Ovarian Cancer. Identifiers: Orphanet 145, MedGen C0677776, MeSH D061325, MONDO:0003582. Disease mechanism: loss of function.

Submissions (2):

Labcorp Genetics (formerly Invitae), Labcorp
Classification: Uncertain significance for Hereditary breast ovarian cancer syndrome. Last evaluated: 2024-12-22. Review status: criteria provided, single submitter. Criteria: Invitae Variant Classification Sherloc (09022015). Collection method: clinical testing. Allele origin: germline.
Comment: This sequence change replaces arginine, which is basic and polar, with serine, which is neutral and polar, at codon 113 of the BRCA2 protein (p.Arg113Ser). This variant is not present in population databases (gnomAD no frequency). This variant has not been reported in the literature in individuals affected with BRCA2-related conditions. Invitae Evidence Modeling of protein sequence and biophysical properties (such as structural, functional, and spatial information, amino acid conservation, physicochemical variation, residue mobility, and thermodynamic stability) indicates that this missense variant is not expected to disrupt BRCA2 protein function with a negative predictive value of 95%. In summary, the available evidence is currently insufficient to determine the role of this variant in disease. Therefore, it has been classified as a Variant of Uncertain Significance.

Quest Diagnostics Nichols Institute San Juan Capistrano
Classification: Uncertain significance. Last evaluated: 2023-10-20. Review status: criteria provided, single submitter. Criteria: Quest Diagnostics criteria. Collection method: clinical testing. Allele origin: unknown.
Comment: The BRCA2 c.339A>T (p.Arg113Ser) variant has not been reported in individuals with BRCA2-related conditions in the published literature. It also has not been reported in large, multi-ethnic general populations (Genome Aggregation Database). Analysis of this variant using bioinformatics tools for the prediction of the effect of amino acid changes on protein structure and function yielded predictions that this variant is benign. Based on the available information, we are unable to determine the clinical significance of this variant.